The following is an entry in ClinVar:

NM_015629.4(PRPF31):c.1147-1G>T

Gene: PRPF31 (pre-mRNA processing factor 31; plus strand). Cytogenetic location: 19q13.42.
Variant type: single nucleotide variant.
Coding change: c.1147-1G>T on transcript NM_015629.4 (MANE Select); the canonical splice acceptor site of the intron before coding-DNA position 1147, G replaced by T.
Molecular consequence: splice acceptor variant.
Genome position (GRCh38, 1-based): chr19:54,129,056, G>T. VCF-style: chr19-54129056-G-T. GRCh37 (hg19) VCF-style: chr19-54632431-G-T.
Identifiers: ClinVar variation 1993101 (VCV001993101.4), dbSNP rs2146449768, ClinGen allele CA407754318.

ClinVar aggregate classification (germline): Pathogenic (1 of 4 stars; one submission).

Submission:

Labcorp Genetics (formerly Invitae), Labcorp
Classification: Pathogenic. Last evaluated: 2024-02-24. Review status: criteria provided, single submitter. Criteria: Invitae Variant Classification Sherloc (09022015). Collection method: clinical testing. Allele origin: germline.
Comment: This sequence change affects an acceptor splice site in intron 11 of the PRPF31 gene. It is expected to disrupt RNA splicing. Variants that disrupt the donor or acceptor splice site typically lead to a loss of protein function (PMID: 16199547), and loss-of-function variants in PRPF31 are known to be pathogenic (PMID: 18317597, 23950152). This variant is not present in population databases (gnomAD no frequency). Disruption of this splice site has been observed in individuals with retinitis pigmentosa (Invitae). ClinVar contains an entry for this variant (Variation ID: 1993101). Algorithms developed to predict the effect of sequence changes on RNA splicing suggest that this variant may disrupt the consensus splice site. For these reasons, this variant has been classified as Pathogenic.

Literature cited by the submitters: PubMed 16199547; PubMed 18317597; PubMed 23950152.